The following is an entry in ClinVar:

ClinVar aggregate classification (germline): Uncertain significance. Review status: criteria provided, multiple submitters, no conflicts (2 of 4 stars). 3 submissions from 3 submitters: Uncertain significance (3). Last evaluated 2024-11-11.

Conditions:
Retinal dystrophy. Also called: Inherited retinal dystrophy. Identifiers: Orphanet 71862, MedGen C0854723, MeSH D058499, MONDO:0019118, HP:0000556.

Allele frequency attached by ClinVar (database versions not stated): TOPMed below 0.00001; ExAC 0.00001; gnomAD 0.00001; gnomAD exomes 0.00001.
gnomAD v4.1: 23 of 1,614,198 alleles (0.0014%); highest among the groups gnomAD compares: Admixed American, 0.005%; no homozygotes.

Submissions (3):

Labcorp Genetics (formerly Invitae), Labcorp
Classification: Uncertain significance. Last evaluated: 2024-11-11. Review status: criteria provided, single submitter. Criteria: Invitae Variant Classification Sherloc (09022015). Collection method: clinical testing. Allele origin: germline.
Comment: This sequence change replaces arginine, which is basic and polar, with cysteine, which is neutral and slightly polar, at codon 909 of the MERTK protein (p.Arg909Cys). This variant is present in population databases (rs758693335, gnomAD 0.02%). This variant has not been reported in the literature in individuals affected with MERTK-related conditions. ClinVar contains an entry for this variant (Variation ID: 1018482). Invitae Evidence Modeling of protein sequence and biophysical properties (such as structural, functional, and spatial information, amino acid conservation, physicochemical variation, residue mobility, and thermodynamic stability) indicates that this missense variant is not expected to disrupt MERTK protein function with a negative predictive value of 80%. In summary, the available evidence is currently insufficient to determine the role of this variant in disease. Therefore, it has been classified as a Variant of Uncertain Significance.

Dept Of Ophthalmology, Nagoya University
Classification: Uncertain significance for Retinal dystrophy. Last evaluated: 2023-10-01. Review status: criteria provided, single submitter. Criteria: Submitter's publication. Collection method: research. Allele origin: germline. Affected: yes.

Blueprint Genetics
Classification: Uncertain significance. Last evaluated: 2022-11-18. Review status: criteria provided, single submitter. Criteria: ACMG Guidelines, 2015. Collection method: clinical testing. Allele origin: germline.

NM_006343.3(MERTK):c.2725C>T (p.Arg909Cys)

Gene: MERTK (MER proto-oncogene, tyrosine kinase; plus strand). Cytogenetic location: 2q13.
Variant type: single nucleotide variant.
Coding change: c.2725C>T on transcript NM_006343.3 (MANE Select); coding-DNA position 2725, C replaced by T.
Protein change: p.Arg909Cys; replaces arginine 909 with cysteine.
Molecular consequence: missense variant.
Genome position (GRCh38, 1-based): chr2:112,028,589, C>T. VCF-style: chr2-112028589-C-T. GRCh37 (hg19) VCF-style: chr2-112786166-C-T.
Other names: short protein forms R909C.
Identifiers: ClinVar variation 1018482 (VCV001018482.10), dbSNP rs758693335, ClinGen allele CA1831955.